The following is an entry in ClinVar:

NM_004260.4(RECQL4):c.2871G>A (p.Gln957=)

Gene: RECQL4 (RecQ like helicase 4; minus strand). Cytogenetic location: 8q24.3.
Variant type: single nucleotide variant.
Coding change: c.2871G>A on transcript NM_004260.4 (MANE Select); coding-DNA position 2871, G replaced by A.
Protein change: p.Gln957=; no amino-acid change (glutamine 957 retained).
Molecular consequence: synonymous variant.
Genome position (GRCh38, 1-based): chr8:144,512,656, C>T on the plus strand (G>A on the coding strand, the complement: RECQL4 is on the minus strand). VCF-style: chr8-144512656-C-T. GRCh37 (hg19) VCF-style: chr8-145738039-C-T.
Identifiers: ClinVar variation 1517943 (VCV001517943.15), dbSNP rs548485975, ClinGen allele CA187680819.

ClinVar aggregate classification (germline): Likely benign. Review status: criteria provided, multiple submitters, no conflicts (2 of 4 stars). 3 submissions from 3 submitters: Likely benign (3). Last evaluated 2026-01-05.

Conditions:
Hereditary cancer-predisposing syndrome. Also called: Tumor predisposition; Neoplastic Syndromes, Hereditary; Hereditary Cancer Syndrome; Hereditary neoplastic syndrome. Identifiers: Orphanet 140162, MedGen C0027672, MeSH D009386, MONDO:0015356.
Baller-Gerold syndrome (BGS). Also called: CRANIOSYNOSTOSIS WITH RADIAL DEFECTS. Identifiers: Orphanet 1225, MedGen C0265308, MONDO:0009039, OMIM 218600.

Allele frequency attached by ClinVar (database versions not stated): gnomAD 0.00001 and 0.00002.
gnomAD v4.1: 4 of 1,612,534 alleles (0.00025%); highest among the groups gnomAD compares: East Asian, 0.0067%; no homozygotes.

Submissions (3):

Labcorp Genetics (formerly Invitae), Labcorp
Classification: Likely benign for Baller-Gerold syndrome. Last evaluated: 2026-01-05. Review status: criteria provided, single submitter. Criteria: Invitae Variant Classification Sherloc (09022015). Collection method: clinical testing. Allele origin: germline.

CeGaT Center for Human Genetics Tuebingen
Classification: Likely benign. Last evaluated: 2025-08-01. Review status: criteria provided, single submitter. Criteria: CeGaT Center For Human Genetics Tuebingen Variant Classification Criteria Version 2. Collection method: clinical testing. Allele origin: germline. Affected: yes. Observed: 1 variant allele.
Comment: RECQL4: BP4, BP7

Sema4
Classification: Likely benign for Hereditary cancer-predisposing syndrome. Last evaluated: 2021-12-17. Review status: criteria provided, single submitter. Criteria: Sema4 Curation Guidelines. Collection method: curation. Allele origin: germline.